The following is an entry in ClinVar:

ClinVar aggregate classification (germline): Pathogenic (1 of 4 stars; one submission).

Conditions:
Developmental and epileptic encephalopathy, 11 (DEE11). Also called: Early infantile epileptic encephalopathy 11. Identifiers: Orphanet 1934, MedGen C3150987, MONDO:0013388, OMIM 613721.
Seizures, benign familial infantile, 3 (BFIS3). Also called: CONVULSIONS, BENIGN FAMILIAL INFANTILE, 3; Familial neonatal seizures. Identifiers: Orphanet 140927, Orphanet 306, MedGen C1843140, MONDO:0011904, OMIM 607745.

Submission:

Labcorp Genetics (formerly Invitae), Labcorp
Classification: Pathogenic for Seizures, benign familial infantile, 3; Developmental and epileptic encephalopathy, 11. Last evaluated: 2023-05-22. Review status: criteria provided, single submitter. Criteria: Invitae Variant Classification Sherloc (09022015). Collection method: clinical testing. Allele origin: unknown.
Comment: This variant is a gross deletion of the genomic region encompassing exon(s) 21-25 of the SCN2A gene. This variant would be expected to be in-frame, preserving the integrity of the reading frame. This variant has not been reported in the literature in individuals affected with SCN2A-related conditions. This variant disrupts a region of the SCN2A protein in which other variant(s) (p.Ala1310Pro) have been determined to be pathogenic (Invitae). This suggests that this is a clinically significant region of the protein, and that variants that disrupt it are likely to be disease-causing. For these reasons, this variant has been classified as Pathogenic.

NC_000002.11:g.(?_166229715)_(166237727_?)del

Gene: SCN2A (sodium voltage-gated channel alpha subunit 2; plus strand). Cytogenetic location: 2q24.3.
Variant type: Deletion.
Identifiers: ClinVar variation 3247240 (VCV003247240.1).